The following is an entry in ClinVar:

NM_001042492.3(NF1):c.1527+1126G>T

Gene: NF1 (neurofibromin 1; plus strand). Cytogenetic location: 17q11.2.
Variant type: single nucleotide variant.
Coding change: c.1527+1126G>T on transcript NM_001042492.3 (MANE Select); 1126 bases into the intron after coding-DNA position 1527, G replaced by T.
Molecular consequence: intron variant.
Genome position (GRCh38, 1-based): chr17:31,215,711, G>T. VCF-style: chr17-31215711-G-T. GRCh37 (hg19) VCF-style: chr17-29542729-G-T.
Other names: c.1527+1126G>T (NM_000267.4, NM_001128147.3).
Identifiers: ClinVar variation 561772 (VCV000561772.1), dbSNP rs9914217, ClinGen allele CA289357280.
Genomic context (GRCh38, chr17:31,215,711, plus strand): 5'-GCACCAAATGTAATAGTTCTATATTGTGTCTTTCATAGGATGACATGTTTAACCTTTGTT[G>T]AGCTTCTTCAGTCCCTGGAGAGCAGCATCAAGCAAGGTTTCTTATCGTTTTGCTCAGTAA-3'

ClinVar aggregate classification (germline): Benign (1 of 4 stars; one submission).

Allele frequency attached by ClinVar (database versions not stated): 1000 Genomes Project 0.06689; 1000 Genomes Project 30x 0.07074; gnomAD 0.05541 and 0.05914; TOPMed 0.06270.
gnomAD v4.1: 8,345 of 152,160 alleles (5.5%); highest among the groups gnomAD compares: African/African-American, 19%; 737 homozygotes.

Submission:

GeneDx
Classification: Benign. Last evaluated: 2018-06-14. Review status: criteria provided, single submitter. Criteria: GeneDx Variant Classification (06012015). Collection method: clinical testing. Allele origin: germline. Affected: yes.
Comment: This variant is considered likely benign or benign based on one or more of the following criteria: it is a conservative change, it occurs at a poorly conserved position in the protein, it is predicted to be benign by multiple in silico algorithms, and/or has population frequency not consistent with disease.